The following is an entry in ClinVar:

NM_130849.4(SLC39A4):c.1224del (p.Leu410fs)

Gene: SLC39A4 (solute carrier family 39 member 4; minus strand). Cytogenetic location: 8q24.3.
Variant type: Deletion.
Coding change: c.1224del on transcript NM_130849.4 (MANE Select); coding-DNA position 1224, one base deleted (C; older notation c.1224delC).
Protein change: p.Leu410fs; shifts the reading frame from leucine 410.
Molecular consequence: frameshift variant.
Genome position (GRCh38, 1-based): chr8:144,414,021, G deleted on the plus strand (C on the coding strand, the reverse complement: SLC39A4 is on the minus strand); the first of 2 consecutive G bases (chr8:144,414,021-144,414,022); deleting either gives the same sequence. VCF-style (leftmost placement, unchanged base first): chr8-144414020-CG-C. GRCh37 (hg19) VCF-style: chr8-145639404-CG-C.
Other names: c.1224delC (NM_130849.3); c.942del, p.Leu316fs (NM_001374839.1); c.1149del, p.Leu385fs (NM_017767.3); short protein forms L316fs, L385fs, L410fs.
Identifiers: ClinVar variation 2141319 (VCV002141319.6), dbSNP rs782695425, ClinGen allele CA4941322.

ClinVar aggregate classification (germline): Pathogenic. Review status: criteria provided, multiple submitters, no conflicts (2 of 4 stars). 3 submissions from 3 submitters: Pathogenic (3). Last evaluated 2026-01-13.

Conditions:
Hereditary acrodermatitis enteropathica (AEZ). Also called: Acrodermatitis enteropathica. Identifiers: Orphanet 37, MedGen C0221036, MONDO:0008713, OMIM 201100.

Submissions (3):

Labcorp Genetics (formerly Invitae), Labcorp
Classification: Pathogenic. Last evaluated: 2026-01-13. Review status: criteria provided, single submitter. Criteria: Invitae Variant Classification Sherloc (09022015). Collection method: clinical testing. Allele origin: germline.
Comment: This sequence change creates a premature translational stop signal (p.Leu410Serfs*73) in the SLC39A4 gene. It is expected to result in an absent or disrupted protein product. Loss-of-function variants in SLC39A4 are known to be pathogenic (PMID: 12955721). This variant is present in population databases (rs782695425, gnomAD 0.002%). This premature translational stop signal has been observed in individual(s) with acrodermatitis enteropathica (PMID: 19416242). ClinVar contains an entry for this variant (Variation ID: 2141319). For these reasons, this variant has been classified as Pathogenic.

Natera, Inc.
Classification: Pathogenic for Acrodermatitis enteropathica. Last evaluated: 2024-09-05. Review status: criteria provided, single submitter. Criteria: Natera Variant Classification Schema (03/2026). Collection method: clinical testing. Allele origin: germline.
Comment: The c.1224delC variant in SLC39A4 is a frameshift variant predicted to shift the reading frame beginning at codon 410 and leads to a stop codon 73 codons downstream. This variant is expected to result in nonsense mediated decay, truncation, or a dysfunctional protein product. This variant is rare in the general population with a frequency below the threshold expected for the associated phenotype(s). This variant has been observed to segregate in affected family members (PMID: 19416242). Given the available evidence, this variant is classified as Pathogenic.

Fulgent Genetics
Classification: Pathogenic for Hereditary acrodermatitis enteropathica. Last evaluated: 2024-02-29. Review status: criteria provided, single submitter. Criteria: ACMG Guidelines, 2015. Collection method: clinical testing. Allele origin: germline.

Literature cited by the submitters: PubMed 12955721 (cited by Labcorp Genetics (formerly Invitae), Labcorp); PubMed 19416242 (cited by Labcorp Genetics (formerly Invitae), Labcorp and Natera, Inc.).